The following is an entry in ClinVar:

ClinVar aggregate classification (germline): Pathogenic. Review status: reviewed by expert panel (3 of 4 stars). 2 submissions from 2 submitters: Pathogenic (1). 1 of the submissions does not count toward it. Last evaluated 2026-05-04.

Conditions:
Hereditary thrombocytopenia and hematologic cancer predisposition syndrome. Identifiers: Orphanet 71290, MedGen CN281654, MONDO:0011071.
Hereditary thrombocytopenia and hematological cancer predisposition syndrome associated with RUNX1. Also called: RUNX1 Familial Platelet Disorder with Associated Myeloid Malignancies; Familial Platelet Disorder with Propensity to Acute Myelogenous Leukemia; Familial thrombocytopenia with propensity to acute myelogenous leukemia; PLATELET DISORDER, ASPIRIN-LIKE. Identifiers: Orphanet 71290, MedGen C1832388, MeSH C563324, MONDO:0100083, OMIM 601399.

Submissions (2):

ClinGen Myeloid Malignancy Variant Curation Expert Panel
Classification: Pathogenic for Hereditary thrombocytopenia and hematologic cancer predisposition syndrome. Last evaluated: 2026-05-04. Review status: reviewed by expert panel. Criteria: ClinGen MyeloMalig ACMG Specifications V3.1. Collection method: curation. Allele origin: germline. Inheritance: Autosomal dominant inheritance.
Comment: NM_001754.5(RUNX1):c.330G>T (p.Lys110Asn) is a missense variant which affects one of the hotspot residues (K110) in the RHD (PM1_strong) and is completely absent from gnomAD v4 with at least 20× coverage (PM2_supporting). This missense variant has a REVEL score ≥ 0.88 (0.884) (PP3), and a transactivation assay using the M-CSF promoter demonstrated altered transactivation (<70% of WT). Data from secondary assays demonstrated altered DNA binding, CBFβ heterodimerization, and nuclear localization (PMID: 10068652, 11830488), and studies of the mutant protein in mouse bone marrow cells demonstrated a decreased ratio of erythroid to myeloid colonies, resulting in immortalization of cells and the accumulation of myeloblasts and dysplastic progenitors (PMID: 17234761) (PS3). In summary, this variant meets criteria to be classified as pathogenic. ACMG/AMP criteria applied, as specified by the Myeloid Malignancy Variant Curation Expert Panel for RUNX1: PM1_strong, PM2_supporting, PP3, PS3.

Labcorp Genetics (formerly Invitae), Labcorp
Classification: Pathogenic for Hereditary thrombocytopenia and hematological cancer predisposition syndrome associated with RUNX1. Last evaluated: 2023-08-17. Review status: criteria provided, single submitter. Criteria: Invitae Variant Classification Sherloc (09022015). Collection method: clinical testing. Allele origin: germline. Not counted in ClinVar's aggregate classification.
Comment: This sequence change replaces lysine, which is basic and polar, with asparagine, which is neutral and polar, at codon 110 of the RUNX1 protein (p.Lys110Asn). For these reasons, this variant has been classified as Pathogenic. This variant disrupts the p.Lys110 amino acid residue in RUNX1. Other variant(s) that disrupt this residue have been determined to be pathogenic (PMID: 1958483, 11830488). This suggests that this residue is clinically significant, and that variants that disrupt this residue are likely to be disease-causing. Experimental studies have shown that this missense change affects RUNX1 function (PMID: 10068652, 19448675, 21725049, 29055018). Advanced modeling of protein sequence and biophysical properties (such as structural, functional, and spatial information, amino acid conservation, physicochemical variation, residue mobility, and thermodynamic stability) performed at Invitae indicates that this missense variant is expected to disrupt RUNX1 protein function. ClinVar contains an entry for this variant (Variation ID: 1518631). This variant is also known as K83N. This missense change has been observed in individual(s) with leukemia (PMID: 10068652). This variant is not present in population databases (gnomAD no frequency).

Literature cited by the submitters: PubMed 1958483 (cited by Labcorp Genetics (formerly Invitae), Labcorp); PubMed 11830488 (cited by Labcorp Genetics (formerly Invitae), Labcorp); PubMed 10068652 (cited by Labcorp Genetics (formerly Invitae), Labcorp); PubMed 19448675 (cited by Labcorp Genetics (formerly Invitae), Labcorp); PubMed 21725049 (cited by Labcorp Genetics (formerly Invitae), Labcorp); PubMed 29055018 (cited by Labcorp Genetics (formerly Invitae), Labcorp).

NM_001754.5(RUNX1):c.330G>T (p.Lys110Asn)

Gene: RUNX1 (RUNX family transcription factor 1; minus strand). Cytogenetic location: 21q22.12.
Variant type: single nucleotide variant.
Coding change: c.330G>T on transcript NM_001754.5 (MANE Select); coding-DNA position 330, G replaced by T.
Protein change: p.Lys110Asn; replaces lysine 110 with asparagine.
Molecular consequence: missense variant.
Genome position (GRCh38, 1-based): chr21:34,886,864, C>A on the plus strand (G>T on the coding strand, the complement: RUNX1 is on the minus strand). VCF-style: chr21-34886864-C-A. GRCh37 (hg19) VCF-style: chr21-36259161-C-A.
Other names: NM_001754.5(RUNX1):c.330G>T; p.Lys110Asn; c.249G>T, p.Lys83Asn (NM_001001890.3, NM_001122607.2); short protein forms K110N, K83N.
Identifiers: ClinVar variation 1518631 (VCV001518631.8), dbSNP rs1569084082, ClinGen allele CA410203418.